The following is an entry in ClinVar:

ClinVar aggregate classification (germline): Conflicting classifications of pathogenicity. Review status: criteria provided, conflicting classifications (1 of 4 stars). 11 submissions from 11 submitters: Uncertain significance (6); Benign (1); Likely benign (4). Last evaluated 2026-03-27.

Conditions:
Early-onset myopathy with fatal cardiomyopathy (CMYO5). Also called: Salih Myopathy; CONGENITAL MYOPATHY 5 WITH CARDIOMYOPATHY. Identifiers: Orphanet 289377, MedGen C2673677, MONDO:0012714, OMIM 611705. Disease mechanism: loss of function.
Dilated cardiomyopathy 1G (CMD1G). Identifiers: Orphanet 154, MedGen C1858763, MONDO:0011400, OMIM 604145.
Tibial muscular dystrophy (TMD). Also called: UDD MYOPATHY; Tibial muscular dystrophy, tardive; Udd Distal Myopathy – Tibial Muscular Dystrophy. Identifiers: Orphanet 609, MedGen C1838244, MONDO:0010870, OMIM 600334.
Autosomal recessive limb-girdle muscular dystrophy type 2J (LGMDR10). Also called: Limb-girdle muscular dystrophy, type 2J; MUSCULAR DYSTROPHY, LIMB-GIRDLE, AUTOSOMAL RECESSIVE 10. Identifiers: Orphanet 140922, MedGen C1837342, MONDO:0012127, OMIM 608807.
Hypertrophic cardiomyopathy 9. Also called: Familial hypertrophic cardiomyopathy 9. Identifiers: MedGen C1861065, MONDO:0013412, OMIM 613765.
Myopathy, myofibrillar, 9, with early respiratory failure (MFM9). Also called: Hereditary myopathy with early respiratory failure; MYOPATHY, PROXIMAL, WITH EARLY RESPIRATORY MUSCLE INVOLVEMENT; EDSTROM MYOPATHY; Myopathy, distal, with early respiratory failure, autosomal dominant. Identifiers: Orphanet 178464, Orphanet 34521, MedGen C1863599, MONDO:0011362, OMIM 603689.
Cardiovascular phenotype. Identifiers: MedGen CN230736.
Cardiomyopathy (CMYO). Also called: Cardiomyopathies. Identifiers: Orphanet 167848, MedGen C0878544, MONDO:0004994, HP:0001638. Inheritance: Various modes of inheritance.
TTN-related disorder. Also called: TTN-related condition; TTN-related disease; TTN-related disorders.

Submissions (11):

Molecular Diagnostic Laboratory for Inherited Cardiovascular Disease, Montreal Heart Institute
Classification: Likely benign. Last evaluated: 2026-03-27. Review status: criteria provided, single submitter. Criteria: ACMG Guidelines, 2015. Collection method: clinical testing. Allele origin: germline. Affected: no.
Comment: BP1

PreventionGenetics, part of Exact Sciences
Classification: Likely benign for TTN-related condition. Last evaluated: 2025-11-26. Review status: criteria provided, single submitter. Criteria: ACMG Guidelines, 2015. Collection method: clinical testing. Allele origin: germline.
Comment: This variant is classified as likely benign based on ACMG/AMP sequence variant interpretation guidelines (Richards et al. 2015 PMID: 25741868, with internal and published modifications).

Women's Health and Genetics/Laboratory Corporation of America, LabCorp
Classification: Uncertain significance. Last evaluated: 2025-09-29. Review status: criteria provided, single submitter. Criteria: LabCorp Variant Classification Summary - May 2015. Collection method: clinical testing. Allele origin: germline.
Comment: Variant summary: TTN c.45418_45419delinsGT (p.Lys15140Val) results in a non-conservative amino acid change in the encoded protein sequence. Algorithms developed to predict the effect of missense changes on protein structure and function are either unavailable or do not agree on the potential impact of this missense change. The variant allele was found at a frequency of 0.00037 in 279368 control chromosomes. This frequency is not significantly higher than estimated for disease-causing variants in TTN, allowing no conclusion about variant significance. To our knowledge, no occurrence of c.45418_45419delinsGT in individuals affected with TTN-related conditions and no experimental evidence demonstrating its impact on protein function have been reported. ClinVar contains an entry for this variant (Variation ID: 283934). Based on the evidence outlined above, the variant was classified as uncertain significance.

GeneDx
Classification: Uncertain significance. Last evaluated: 2024-11-20. Review status: criteria provided, single submitter. Criteria: GeneDx Variant Classification Process June 2021. Collection method: clinical testing. Allele origin: germline. Affected: yes.
Comment: Not observed at significant frequency in large population cohorts (gnomAD); Missense variant in a gene in which most reported pathogenic variants are truncating/loss-of-function; Has not been previously published as pathogenic or benign to our knowledge

Athena Diagnostics
Classification: Likely benign. Last evaluated: 2024-05-31. Review status: criteria provided, single submitter. Criteria: Athena Diagnostics Criteria. Collection method: clinical testing. Allele origin: unknown.

Mayo Clinic Laboratories, Mayo Clinic
Classification: Uncertain significance. Last evaluated: 2023-05-22. Review status: criteria provided, single submitter. Criteria: ACMG Guidelines, 2015. Collection method: clinical testing. Allele origin: germline. Observed: 2 variant alleles.
Comment: PM2

CHEO Genetics Diagnostic Laboratory, Children's Hospital of Eastern Ontario
Classification: Likely benign for Cardiomyopathy. Last evaluated: 2023-05-16. Review status: criteria provided, single submitter. Criteria: ACMG Guidelines, 2015. Collection method: clinical testing. Allele origin: germline.

Ambry Genetics
Classification: Benign for Cardiovascular phenotype. Last evaluated: 2022-04-15. Review status: criteria provided, single submitter. Criteria: Ambry Variant Classification Scheme 2023. Collection method: clinical testing. Allele origin: germline.

Fulgent Genetics
Classification: Uncertain significance for Tibial muscular dystrophy; Myopathy, myofibrillar, 9, with early respiratory failure; Dilated cardiomyopathy 1G; Autosomal recessive limb-girdle muscular dystrophy type 2J; Early-onset myopathy with fatal cardiomyopathy; Hypertrophic cardiomyopathy 9. Last evaluated: 2021-11-15. Review status: criteria provided, single submitter. Criteria: ACMG Guidelines, 2015. Collection method: clinical testing. Allele origin: unknown.

Labcorp Genetics (formerly Invitae), Labcorp
Classification: Uncertain significance for Dilated cardiomyopathy 1G; Autosomal recessive limb-girdle muscular dystrophy type 2J. Last evaluated: 2017-11-17. Review status: criteria provided, single submitter. Criteria: Invitae Variant Classification Sherloc (09022015). Collection method: clinical testing. Allele origin: germline.

Eurofins Ntd Llc (ga)
Classification: Uncertain significance. Last evaluated: 2017-04-19. Review status: criteria provided, single submitter. Criteria: EGL Classification Definitions 2015. Collection method: clinical testing. Allele origin: germline. Observed: 4 variant alleles, 4 heterozygotes.

NM_001267550.2(TTN):c.53122_53123delinsGT (p.Lys17708Val)

Genes: TTN (titin; minus strand), TTN-AS1 (TTN antisense RNA 1; plus strand), LOC126806425 (BRD4-independent group 4 enhancer GRCh37_chr2:179471933-179473132; plus strand). Cytogenetic location: 2q31.2.
Variant type: Indel.
Coding change: c.53122_53123delinsGT on transcript NM_001267550.2 (MANE Select); coding-DNA positions 53122 to 53123, AA replaced by GT.
Protein change: p.Lys17708Val; replaces lysine 17708 with valine.
Molecular consequence: missense variant.
Genome position (GRCh38, 1-based): chr2:178,607,565-178,607,566, TT replaced by AC on the plus strand (AA replaced by GT on the coding strand, the reverse complement: TTN is on the minus strand). VCF-style: chr2-178607565-TT-AC. GRCh37 (hg19) VCF-style: chr2-179472292-TT-AC.
Other names: p.Lys15140Val; c.48199_48200delinsGT, p.Lys16067Val (NM_001256850.1); c.25927_25928delinsGT, p.Lys8643Val (NM_003319.4); c.45418_45419delinsGT, p.Lys15140Val (NM_133378.4); c.26302_26303delinsGT, p.Lys8768Val (NM_133432.3); c.26503_26504delinsGT, p.Lys8835Val (NM_133437.4); c.48199_48200delAAinsGT (NM_001256850.1); c.53122_53123delinsGT (LRG_391t1); and 2 more; short protein forms K8643V, K8768V, K15140V, K8835V, K17708V, K16067V.
Identifiers: ClinVar variation 283934 (VCV000283934.24), dbSNP rs886042743, ClinGen allele CA10604630.